The following is an entry in ClinVar:

ClinVar aggregate classification (germline): Uncertain significance (1 of 4 stars; one submission).

Conditions:
CELSR1-related disorder. Also called: CELSR1-related condition.

gnomAD v4.1: 175 of 1,606,994 alleles (0.011%); highest among the groups gnomAD compares: African/African-American, 0.078%; no homozygotes.

Submission:

PreventionGenetics, part of Exact Sciences
Classification: Uncertain significance for CELSR1-related condition. Last evaluated: 2026-08-10. Review status: criteria provided, single submitter. Criteria: ACMG Guidelines, 2015. Collection method: clinical testing. Allele origin: germline.
Comment: The CELSR1 c.8204C>T variant is predicted to result in the amino acid substitution p.Thr2735Met. This variant was reported in the compound heterozygous state in an individual with partial epilepsy (Chen et al. 2022. PubMed ID: 36453712). This variant is reported in 0.10% of alleles in individuals of African descent in gnomAD. At this time, the clinical significance of this variant is uncertain due to the absence of conclusive functional and genetic evidence.

NM_001378328.1(CELSR1):c.8204C>T (p.Thr2735Met)

Gene: CELSR1 (cadherin EGF LAG seven-pass G-type receptor 1; minus strand). Cytogenetic location: 22q13.31.
Variant type: single nucleotide variant.
Coding change: c.8204C>T on transcript NM_001378328.1 (MANE Select); coding-DNA position 8204, C replaced by T.
Protein change: p.Thr2735Met; replaces threonine 2735 with methionine.
Molecular consequence: missense variant.
Genome position (GRCh38, 1-based): chr22:46,366,994, G>A on the plus strand (C>T on the coding strand, the complement: CELSR1 is on the minus strand). VCF-style: chr22-46366994-G-A. GRCh37 (hg19) VCF-style: chr22-46762891-G-A.
Other names: c.8204C>T, p.Thr2735Met (NM_014246.4); short protein forms T2735M.
Identifiers: ClinVar variation 4984001 (VCV004984001.1).